The following is an entry in ClinVar:

ClinVar aggregate classification (germline): Uncertain significance (1 of 4 stars; one submission).

Conditions:
Inborn genetic diseases. Identifiers: MedGen C0950123, MeSH D030342.

Allele frequency attached by ClinVar (database versions not stated): gnomAD exomes 0.00002; ExAC 0.00007; ESP Exome Variant Server 0.00008.
gnomAD v4.1: 21 of 1,577,192 alleles (0.0013%); highest among the groups gnomAD compares: Non-Finnish European, 0.0018%; no homozygotes.

Submission:

Ambry Genetics
Classification: Uncertain significance for Inborn genetic diseases. Last evaluated: 2021-06-11. Review status: criteria provided, single submitter. Criteria: Ambry Variant Classification Scheme 2023. Collection method: clinical testing. Allele origin: germline.
Comment: The p.N54D variant (also known as c.160A>G), located in coding exon 1 of the SLC25A46 gene, results from an A to G substitution at nucleotide position 160. The asparagine at codon 54 is replaced by aspartic acid, an amino acid with highly similar properties. This amino acid position is highly conserved in available vertebrate species. In addition, the in silico prediction for this alteration is inconclusive. Since supporting evidence is limited at this time, the clinical significance of this alteration remains unclear.

NM_138773.4(SLC25A46):c.160A>G (p.Asn54Asp)

Gene: SLC25A46 (solute carrier family 25 member 46; plus strand). Cytogenetic location: 5q22.1.
Variant type: single nucleotide variant.
Coding change: c.160A>G on transcript NM_138773.4 (MANE Select); coding-DNA position 160, A replaced by G.
Protein change: p.Asn54Asp; replaces asparagine 54 with aspartic acid.
Molecular consequence: missense variant. On other transcripts: non-coding transcript variant (1), intron variant (1).
Genome position (GRCh38, 1-based): chr5:110,739,279, A>G. VCF-style: chr5-110739279-A-G. GRCh37 (hg19) VCF-style: chr5-110074980-A-G.
Other names: c.160A>G, p.Asn54Asp (NM_001303249.3); c.10+1032A>G (NM_001303250.3); short protein forms N54D.
Identifiers: ClinVar variation 1776355 (VCV001776355.2), dbSNP rs372780604, ClinGen allele CA3364484.